The following is an entry in ClinVar:

ClinVar aggregate classification (germline): Uncertain significance (1 of 4 stars; one submission).

Conditions:
Hereditary sensory neuropathy-deafness-dementia syndrome. Also called: HSN IE; NEUROPATHY, HEREDITARY SENSORY, WITH HEARING LOSS AND DEMENTIA; Hereditary Sensory and Autonomic Neuropathy Type 1E (HSAN1E); Hereditary sensory neuropathy type IE. Identifiers: Orphanet 456318, MedGen C3279885, MONDO:0013584, OMIM 614116.

Allele frequency attached by ClinVar (database versions not stated): gnomAD exomes below 0.00001.
gnomAD v4.1: 1 of 1,614,210 alleles (0.000062%); highest among the groups gnomAD compares: Non-Finnish European, 0.000085%; no homozygotes.

Submission:

Labcorp Genetics (formerly Invitae), Labcorp
Classification: Uncertain significance for Hereditary sensory neuropathy-deafness-dementia syndrome. Last evaluated: 2020-06-11. Review status: criteria provided, single submitter. Criteria: Invitae Variant Classification Sherloc (09022015). Collection method: clinical testing. Allele origin: germline.
Comment: In summary, the available evidence is currently insufficient to determine the role of this variant in disease. Therefore, it has been classified as a Variant of Uncertain Significance. Algorithms developed to predict the effect of missense changes on protein structure and function (SIFT, PolyPhen-2, Align-GVGD) all suggest that this variant is likely to be tolerated, but these predictions have not been confirmed by published functional studies and their clinical significance is uncertain. This variant has not been reported in the literature in individuals with DNMT1-related conditions. This variant is not present in population databases (ExAC no frequency). This sequence change replaces asparagine with aspartic acid at codon 59 of the DNMT1 protein (p.Asn59Asp). The asparagine residue is weakly conserved and there is a small physicochemical difference between asparagine and aspartic acid.

NM_001130823.3(DNMT1):c.175A>G (p.Asn59Asp)

Gene: DNMT1 (DNA methyltransferase 1; minus strand). Cytogenetic location: 19p13.2.
Variant type: single nucleotide variant.
Coding change: c.175A>G on transcript NM_001130823.3 (MANE Select); coding-DNA position 175, A replaced by G.
Protein change: p.Asn59Asp; replaces asparagine 59 with aspartic acid.
Molecular consequence: missense variant. On other transcripts: 5 prime UTR variant (1).
Genome position (GRCh38, 1-based): chr19:10,180,828, T>C on the plus strand (A>G on the coding strand, the complement: DNMT1 is on the minus strand). VCF-style: chr19-10180828-T-C. GRCh37 (hg19) VCF-style: chr19-10291504-T-C.
Other names: c.175A>G, p.Asn59Asp (NM_001318730.2, NM_001379.4); c.-149A>G (NM_001318731.2); short protein forms N59D.
Identifiers: ClinVar variation 1042882 (VCV001042882.8), dbSNP rs2039032693, ClinGen allele CA403947146.
Genomic context (GRCh38, chr19:10,180,828, plus strand): 5'-ACTGACTTACCTCGGATAATTCTTCTTTACGTAATTTGGTTTCCAAGTCACATAACTGAT[T>C]CTTTATTTCTGTTTGCAGAAATTCGTGCAAGAGATTCAATTTCTCCTTCACACATTCCTA-3'
Protein context (NP_001124295.1, residues 49-69): LHEFLQTEIK[Asn59Asp]QLCDLETKLR